The following is an entry in ClinVar:

NM_001008537.3(NEXMIF):c.3874G>T (p.Gly1292Cys)

Gene: NEXMIF (neurite extension and migration factor; minus strand). Cytogenetic location: Xq13.3.
Variant type: single nucleotide variant.
Coding change: c.3874G>T on transcript NM_001008537.3 (MANE Select); coding-DNA position 3874, G replaced by T.
Protein change: p.Gly1292Cys; replaces glycine 1292 with cysteine.
Molecular consequence: missense variant.
Genome position (GRCh38, 1-based): chrX:74,740,683, C>A on the plus strand (G>T on the coding strand, the complement: NEXMIF is on the minus strand). VCF-style: chrX-74740683-C-A. GRCh37 (hg19) VCF-style: chrX-73960518-C-A.
Other names: c.3874G>T (NM_001008537.2); short protein forms G1292C.
Identifiers: ClinVar variation 1306093 (VCV001306093.3), dbSNP rs1291386998, ClinGen allele CA413664553.

ClinVar aggregate classification (germline): Uncertain significance. Review status: criteria provided, multiple submitters, no conflicts (2 of 4 stars). 2 submissions from 2 submitters: Uncertain significance (2). Last evaluated 2026-02-26.

Allele frequency attached by ClinVar (database versions not stated): gnomAD exomes below 0.00001 and 0.00001; TOPMed below 0.00001; gnomAD 0.00001.
gnomAD v4.1: 2 of 1,210,503 alleles (0.00017%); highest among the groups gnomAD compares: Admixed American, 0.0044%; no homozygotes.

Submissions (2):

Ambry Genetics
Classification: Uncertain significance. Last evaluated: 2026-02-26. Review status: criteria provided, single submitter. Criteria: Ambry Variant Classification Scheme 2023. Collection method: clinical testing. Allele origin: germline.
Comment: The c.3874G>T (p.G1292C) alteration is located in exon 3 (coding exon 2) of the KIAA2022 gene. This alteration results from a G to T substitution at nucleotide position 3874, causing the glycine (G) at amino acid position 1292 to be replaced by a cysteine (C). Based on data from gnomAD, the T allele has an overall frequency of <0.001% (1/183072) total alleles studied. The highest observed frequency was 0.004% (1/27392) of Latino alleles. Based on insufficient or conflicting evidence, the clinical significance of this alteration remains unclear.

GeneDx
Classification: Uncertain significance. Last evaluated: 2019-06-05. Review status: criteria provided, single submitter. Criteria: GeneDx Variant Classification Process June 2021. Collection method: clinical testing. Allele origin: germline. Affected: yes.
Comment: Not observed at a significant frequency in large population cohorts (Lek et al., 2016); In silico analysis, which includes protein predictors and evolutionary conservation, supports that this variant does not alter protein structure/function; Has not been previously published as pathogenic or benign to our knowledge